The following is an entry in ClinVar:

NM_001366145.2(TRPM3):c.278T>C (p.Ile93Thr)

Gene: TRPM3 (transient receptor potential cation channel subfamily M member 3; minus strand). Cytogenetic location: 9q21.12.
Variant type: single nucleotide variant.
Coding change: c.278T>C on transcript NM_001366145.2 (MANE Select); coding-DNA position 278, T replaced by C.
Protein change: p.Ile93Thr; replaces isoleucine 93 with threonine.
Molecular consequence: missense variant. On other transcripts: 5 prime UTR variant (9).
Genome position (GRCh38, 1-based): chr9:70,863,092, A>G on the plus strand (T>C on the coding strand, the complement: TRPM3 is on the minus strand). VCF-style: chr9-70863092-A-G. GRCh37 (hg19) VCF-style: chr9-73478008-A-G.
Other names: c.-182T>C (NM_001007470.3, NM_001366154.2, NM_020952.6 and 6 more transcripts); c.278T>C, p.Ile93Thr (NM_001007471.4, NM_001366146.2, NM_001366147.2 and 6 more transcripts); c.284T>C, p.Ile95Thr (NM_001366141.2, NM_001366142.2, NM_001366143.2 and 1 more transcripts); short protein forms I93T, I95T.
Identifiers: ClinVar variation 4885138 (VCV004885138.2).
Genomic context (GRCh38, chr9:70,863,092, plus strand): 5'-CTTTCATTTTTCTCATTCTGAAGCACGGAGATACTGGGGGTGAGGCCAACATGCTGGCCT[A>G]TCAGACGCCCACAGCAACACCTATAACAGAAGAGGTTAAAGTGAACCCCTGGTATTAGTC-3'
Protein context (NP_001353074.1, residues 83-103): DPHRCCCGRL[Ile93Thr]GQHVGLTPSI

ClinVar aggregate classification (germline): Uncertain significance (1 of 4 stars; one submission).

gnomAD v4.1: 12 of 1,613,276 alleles (0.00074%); highest among the groups gnomAD compares: South Asian, 0.0055%; no homozygotes.

Submission:

Dasa
Classification: Uncertain significance. Last evaluated: 2024-10-11. Review status: criteria provided, single submitter. Criteria: DASA Assertion Criteria. Collection method: clinical testing. Allele origin: germline.
Comment: NM_001366145.2(TRPM3):c.278T>C (p.Ile93Thr) is a missense variant that results in the substitution of isoleucine with threonine. This variant is rare in population databases. Computational prediction algorithms are consistent with a benign effect. The currently available literature and clinical evidence are not sufficient to establish a definitive association between this variant and the reported condition. Therefore, this variant is classified as a variant of uncertain significance.